The following is an entry in ClinVar:

ClinVar aggregate classification (germline): Uncertain significance (1 of 4 stars; one submission).

Submission:

GeneDx
Classification: Uncertain significance. Last evaluated: 2024-09-09. Review status: criteria provided, single submitter. Criteria: GeneDx Variant Classification Process June 2021. Collection method: clinical testing. Allele origin: germline. Affected: yes.
Comment: Frameshift variant predicted to result in abnormal protein length as the last 46 amino acids are replaced with 112 different amino acids.; Not observed at significant frequency in large population cohorts (gnomAD); Has not been previously published as pathogenic or benign to our knowledge

NM_005585.5(SMAD6):c.1352_1353del (p.Glu451fs)

Gene: SMAD6 (SMAD family member 6; plus strand). Cytogenetic location: 15q22.31.
Variant type: Deletion.
Coding change: c.1352_1353del on transcript NM_005585.5 (MANE Select); coding-DNA positions 1352 to 1353, 2 bases deleted (AG; older notation c.1352_1353delAG).
Protein change: p.Glu451fs; shifts the reading frame from glutamic acid 451.
Molecular consequence: frameshift variant. On other transcripts: non-coding transcript variant (1).
Genome position (GRCh38, 1-based): chr15:66,781,396-66,781,397, AG deleted; deleting any 2 consecutive bases within chr15:66,781,395-66,781,397 gives the same sequence; the c. name uses the placement nearest the transcript's 3' end. VCF-style (leftmost placement, unchanged base first): chr15-66781394-CGA-C. GRCh37 (hg19) VCF-style: chr15-67073732-CGA-C.
Other names: short protein forms E451fs.
Identifiers: ClinVar variation 3769916 (VCV003769916.1).
Genomic context (GRCh38, chr15:66,781,394, plus strand): 5'-GCCCCCCGGCTACTCCATCAAGGTGTTCGACTTCGAGCGCTCGGGCCTGCAGCACGCGCC[CGA>C]GCCCGACGCCGCCGACGGCCCCTACGACCCCAACAGCGTCCGCATCAGCTTCGCCAAGGG-3'